The following is an entry in ClinVar:

ClinVar aggregate classification (germline): Uncertain significance (1 of 4 stars; one submission).

Conditions:
Familial thoracic aortic aneurysm and aortic dissection (TAAD). Also called: Thoracic aortic aneurysms and dissections. Identifiers: Orphanet 91387, MedGen C4707243, MONDO:0019625.

Allele frequency attached by ClinVar (database versions not stated): gnomAD exomes below 0.00001.

Submission:

Ambry Genetics
Classification: Uncertain significance for Familial thoracic aortic aneurysm and aortic dissection. Last evaluated: 2020-02-27. Review status: criteria provided, single submitter. Criteria: Ambry Variant Classification Scheme 2023. Collection method: clinical testing. Allele origin: germline.
Comment: The p.L22H variant (also known as c.65T>A), located in coding exon 1 of the TGFB3 gene, results from a T to A substitution at nucleotide position 65. The leucine at codon 22 is replaced by histidine, an amino acid with similar properties. This amino acid position is well conserved in available vertebrate species. In addition, the in silico prediction for this alteration is inconclusive. Since supporting evidence is limited at this time, the clinical significance of this alteration remains unclear.

NM_003239.5(TGFB3):c.65T>A (p.Leu22His)

Gene: TGFB3 (transforming growth factor beta 3; minus strand). Cytogenetic location: 14q24.3.
Variant type: single nucleotide variant.
Coding change: c.65T>A on transcript NM_003239.5 (MANE Select); coding-DNA position 65, T replaced by A.
Protein change: p.Leu22His; replaces leucine 22 with histidine.
Molecular consequence: missense variant.
Genome position (GRCh38, 1-based): chr14:75,980,829, A>T on the plus strand (T>A on the coding strand, the complement: TGFB3 is on the minus strand). VCF-style: chr14-75980829-A-T. GRCh37 (hg19) VCF-style: chr14-76447172-A-T.
Other names: c.65T>A, p.Leu22His (NM_001329938.2, NM_001329939.2); short protein forms L22H.
Identifiers: ClinVar variation 1754416 (VCV001754416.2), dbSNP rs2503024203, ClinGen allele CA390471748.